The following is an entry in ClinVar:

ClinVar aggregate classification (germline): Uncertain significance (1 of 4 stars; one submission).

Conditions:
Hereditary nonpolyposis colorectal neoplasms. Identifiers: MedGen C0009405, MeSH D003123.

Submission:

Labcorp Genetics (formerly Invitae), Labcorp
Classification: Uncertain significance for Hereditary nonpolyposis colorectal neoplasms. Last evaluated: 2025-06-04. Review status: criteria provided, single submitter. Criteria: Invitae Variant Classification Sherloc (09022015). Collection method: clinical testing. Allele origin: germline.
Comment: This sequence change replaces glutamine, which is neutral and polar, with leucine, which is neutral and non-polar, at codon 805 of the PMS2 protein (p.Gln805Leu). The frequency data for this variant in the population databases (gnomAD) is considered unreliable due to the presence of homologous sequence, such as pseudogenes or paralogs, in the genome. This variant has not been reported in the literature in individuals affected with PMS2-related conditions. Invitae Evidence Modeling incorporating data from in vitro experimental studies (internal data) indicates that this missense variant is not expected to disrupt PMS2 function with a negative predictive value of 95%. In summary, the available evidence is currently insufficient to determine the role of this variant in disease. Therefore, it has been classified as a Variant of Uncertain Significance.

NM_000535.7(PMS2):c.2414A>T (p.Gln805Leu)

Gene: PMS2 (PMS1 homolog 2, mismatch repair system component; minus strand). Cytogenetic location: 7p22.1.
Variant type: single nucleotide variant.
Coding change: c.2414A>T on transcript NM_000535.7 (MANE Select); coding-DNA position 2414, A replaced by T.
Protein change: p.Gln805Leu; replaces glutamine 805 with leucine.
Molecular consequence: missense variant. On other transcripts: non-coding transcript variant (1).
Genome position (GRCh38, 1-based): chr7:5,977,619, T>A on the plus strand (A>T on the coding strand, the complement: PMS2 is on the minus strand). VCF-style: chr7-5977619-T-A. GRCh37 (hg19) VCF-style: chr7-6017250-T-A.
Other names: c.1841A>T, p.Gln614Leu (NM_001406908.1, NM_001406909.1, NM_001322013.2); c.1697A>T, p.Gln566Leu (NM_001406910.1); c.1643A>T, p.Gln548Leu (NM_001406911.1); c.1211A>T, p.Gln404Leu (NM_001406912.1); c.2009A>T, p.Gln670Leu (NM_001322003.2, NM_001322004.2, NM_001322005.2 and 11 more transcripts); c.2258A>T, p.Gln753Leu (NM_001322006.2); c.2096A>T, p.Gln699Leu (NM_001322007.2, NM_001322008.2, NM_001406883.1); c.2042A>T, p.Gln681Leu (NM_001322009.2, NM_001406887.1, NM_001406888.1); and 20 more; short protein forms Q614L, Q650L, Q683L, Q693L, Q739L, Q764L, Q816L, Q548L.
Identifiers: ClinVar variation 4710963 (VCV004710963.1).